The following is an entry in ClinVar:

NM_001267550.2(TTN):c.49205C>T (p.Ser16402Leu)

Genes: TTN (titin; minus strand), TTN-AS1 (TTN antisense RNA 1; plus strand), LOC126806426 (BRD4-independent group 4 enhancer GRCh37_chr2:179478848-179480047; plus strand). Cytogenetic location: 2q31.2.
Variant type: single nucleotide variant.
Coding change: c.49205C>T on transcript NM_001267550.2 (MANE Select); coding-DNA position 49205, C replaced by T.
Protein change: p.Ser16402Leu; replaces serine 16402 with leucine.
Molecular consequence: missense variant. On other transcripts: non-coding transcript variant (1).
Genome position (GRCh38, 1-based): chr2:178,614,192, G>A on the plus strand (C>T on the coding strand, the complement: TTN is on the minus strand). VCF-style: chr2-178614192-G-A. GRCh37 (hg19) VCF-style: chr2-179478919-G-A.
Other names: c.44282C>T, p.Ser14761Leu (NM_001256850.1); c.22010C>T, p.Ser7337Leu (NM_003319.4); c.41501C>T, p.Ser13834Leu (NM_133378.4); c.22385C>T, p.Ser7462Leu (NM_133432.3); c.22586C>T, p.Ser7529Leu (NM_133437.4); short protein forms S7337L, S7462L, S7529L, S14761L, S16402L, S13834L.
Identifiers: ClinVar variation 1787634 (VCV001787634.2), dbSNP rs772357820, ClinGen allele CA1994655.

ClinVar aggregate classification (germline): Uncertain significance (1 of 4 stars; one submission).

Conditions:
Cardiovascular phenotype. Identifiers: MedGen CN230736.

Allele frequency attached by ClinVar (database versions not stated): gnomAD 0.00001; TOPMed 0.00001; gnomAD exomes 0.00002; ExAC 0.00003.
gnomAD v4.1: 36 of 1,612,378 alleles (0.0022%); highest among the groups gnomAD compares: Non-Finnish European, 0.0029%; no homozygotes.

Submission:

Ambry Genetics
Classification: Uncertain significance for Cardiovascular phenotype. Last evaluated: 2019-11-01. Review status: criteria provided, single submitter. Criteria: Ambry Variant Classification Scheme 2023. Collection method: clinical testing. Allele origin: germline.
Comment: The p.S7337L variant (also known as c.22010C>T), located in coding exon 89 of the TTN gene, results from a C to T substitution at nucleotide position 22010. The serine at codon 7337 is replaced by leucine, an amino acid with dissimilar properties. This amino acid position is highly conserved in available vertebrate species. In addition, the in silico prediction for this alteration is inconclusive. Since supporting evidence is limited at this time, the clinical significance of this alteration remains unclear.